The following is an entry in ClinVar:

NM_000979.4(RPL18):c.166A>G (p.Thr56Ala)

Gene: RPL18 (ribosomal protein L18; minus strand). Cytogenetic location: 19q13.33.
Variant type: single nucleotide variant.
Coding change: c.166A>G on transcript NM_000979.4 (MANE Select); coding-DNA position 166, A replaced by G.
Protein change: p.Thr56Ala; replaces threonine 56 with alanine.
Molecular consequence: missense variant. On other transcripts: non-coding transcript variant (1).
Genome position (GRCh38, 1-based): chr19:48,617,348, T>C on the plus strand (A>G on the coding strand, the complement: RPL18 is on the minus strand). VCF-style: chr19-48617348-T-C. GRCh37 (hg19) VCF-style: chr19-49120605-T-C.
Other names: c.79A>G, p.Thr27Ala (NM_001270490.2); short protein forms T56A, T27A.
Identifiers: ClinVar variation 3699833 (VCV003699833.2).

ClinVar aggregate classification (germline): Uncertain significance (1 of 4 stars; one submission).

gnomAD v4.1: 3 of 1,614,124 alleles (0.00019%); highest among the groups gnomAD compares: East Asian, 0.0022%; no homozygotes.

Submission:

Labcorp Genetics (formerly Invitae), Labcorp
Classification: Uncertain significance. Last evaluated: 2024-12-05. Review status: criteria provided, single submitter. Criteria: Invitae Variant Classification Sherloc (09022015). Collection method: clinical testing. Allele origin: germline.
Comment: This sequence change replaces threonine, which is neutral and polar, with alanine, which is neutral and non-polar, at codon 56 of the RPL18 protein (p.Thr56Ala). This variant is not present in population databases (gnomAD no frequency). This variant has not been reported in the literature in individuals affected with RPL18-related conditions. An algorithm developed to predict the effect of missense changes on protein structure and function (PolyPhen-2) suggests that this variant is likely to be tolerated. In summary, the available evidence is currently insufficient to determine the role of this variant in disease. Therefore, it has been classified as a Variant of Uncertain Significance.